The following is an entry in ClinVar:

NM_001943.5(DSG2):c.523+23_523+24del

Gene: DSG2 (desmoglein 2; plus strand). Cytogenetic location: 18q12.1.
Variant type: Deletion.
Coding change: c.523+23_523+24del on transcript NM_001943.5 (MANE Select); bases 23 to 24 of the intron after coding-DNA position 523, 2 bases deleted (TT; older notation c.523+23_523+24delTT).
Molecular consequence: intron variant.
Genome position (GRCh38, 1-based): chr18:31,521,266-31,521,267, TT deleted; deleting any 2 consecutive bases within chr18:31,521,253-31,521,267 gives the same sequence; the c. name uses the placement nearest the transcript's 3' end. VCF-style (leftmost placement, unchanged base first): chr18-31521252-CTT-C. GRCh37 (hg19) VCF-style: chr18-29101215-CTT-C.
Other names: p.?; c.523+23_523+24del (NM_001943.3, LRG_397t1); c.523+23_523+24delTT (NM_001943.3).
Identifiers: ClinVar variation 466344 (VCV000466344.12), dbSNP rs77324780, ClinGen allele CA8928334.

ClinVar aggregate classification (germline): Benign/Likely benign. Review status: criteria provided, multiple submitters, no conflicts (2 of 4 stars). 8 submissions from 8 submitters: Benign (3); Likely benign (1). 4 of the submissions do not count toward it. Last evaluated 2024-12-13.

Conditions:
Cardiomyopathy (CMYO). Also called: Cardiomyopathies. Identifiers: Orphanet 167848, MedGen C0878544, MONDO:0004994, HP:0001638. Inheritance: Various modes of inheritance.
Arrhythmogenic right ventricular dysplasia 10. Also called: Arrhythmogenic right ventricular dysplasia/cardiomyopathy, type 10; Arrhythmogenic Right Ventricular Dysplasia/Cardiomyopathy10; ARRHYTHMOGENIC RIGHT VENTRICULAR DYSPLASIA, FAMILIAL, 10. Identifiers: MedGen C1857777, MONDO:0012434, OMIM 610193.

Submissions (8):

Mayo Clinic Laboratories, Mayo Clinic
Classification: Benign. Last evaluated: 2024-12-13. Review status: criteria provided, single submitter. Criteria: ACMG Guidelines, 2015. Collection method: clinical testing. Allele origin: germline. Observed: 7 variant alleles.
Comment: BS1, BS2, BP4, BP7

Blueprint Genetics
Classification: Likely benign. Last evaluated: 2024-11-25. Review status: criteria provided, single submitter. Criteria: ACMG Guidelines, 2015. Collection method: clinical testing. Allele origin: germline.

CHEO Genetics Diagnostic Laboratory, Children's Hospital of Eastern Ontario
Classification: Benign for Cardiomyopathy. Last evaluated: 2022-11-18. Review status: criteria provided, single submitter. Criteria: ACMG Guidelines, 2015. Collection method: clinical testing. Allele origin: germline.

Labcorp Genetics (formerly Invitae), Labcorp
Classification: Benign for Arrhythmogenic right ventricular dysplasia 10. Last evaluated: 2017-06-13. Review status: criteria provided, single submitter. Criteria: Invitae Variant Classification Sherloc (09022015). Collection method: clinical testing. Allele origin: germline.

Clinical Genetics DNA and cytogenetics Diagnostics Lab, Erasmus MC, Erasmus Medical Center
Classification: Likely benign. Review status: no assertion criteria provided. Collection method: clinical testing. Allele origin: germline. Affected: yes. Study: VKGL Data-share Consensus. Not counted in ClinVar's aggregate classification.

Clinical Genetics, Academic Medical Center
Classification: Benign. Review status: no assertion criteria provided. Collection method: clinical testing. Allele origin: germline. Affected: yes. Study: VKGL Data-share Consensus. Not counted in ClinVar's aggregate classification.

Genome Diagnostics Laboratory, University Medical Center Utrecht
Classification: Likely benign. Review status: no assertion criteria provided. Collection method: clinical testing. Allele origin: germline. Affected: yes. Study: VKGL Data-share Consensus. Not counted in ClinVar's aggregate classification.

Joint Genome Diagnostic Labs from Nijmegen and Maastricht, Radboudumc and MUMC+
Classification: Likely benign. Review status: no assertion criteria provided. Collection method: clinical testing. Allele origin: germline. Affected: yes. Study: VKGL Data-share Consensus. Not counted in ClinVar's aggregate classification.